The following is an entry in ClinVar:

ClinVar aggregate classification (germline): Uncertain significance (1 of 4 stars; one submission).

Allele frequency attached by ClinVar (database versions not stated): ExAC 0.00001; gnomAD 0.00001; TOPMed 0.00001; gnomAD exomes 0.00004.
gnomAD v4.1: 61 of 1,614,004 alleles (0.0038%); highest among the groups gnomAD compares: Non-Finnish European, 0.0048%; no homozygotes.

Submission:

Labcorp Genetics (formerly Invitae), Labcorp
Classification: Uncertain significance. Last evaluated: 2022-05-14. Review status: criteria provided, single submitter. Criteria: Invitae Variant Classification Sherloc (09022015). Collection method: clinical testing. Allele origin: germline.
Comment: This sequence change replaces serine, which is neutral and polar, with proline, which is neutral and non-polar, at codon 719 of the MTTP protein (p.Ser719Pro). This variant is present in population databases (rs760070788, gnomAD 0.0009%). This variant has not been reported in the literature in individuals affected with MTTP-related conditions. Algorithms developed to predict the effect of missense changes on protein structure and function are either unavailable or do not agree on the potential impact of this missense change (SIFT: "Tolerated"; PolyPhen-2: "Possibly Damaging"; Align-GVGD: "Class C0"). In summary, the available evidence is currently insufficient to determine the role of this variant in disease. Therefore, it has been classified as a Variant of Uncertain Significance.

NM_001386140.1(MTTP):c.2155T>C (p.Ser719Pro)

Gene: MTTP (microsomal triglyceride transfer protein; plus strand). Cytogenetic location: 4q23.
Variant type: single nucleotide variant.
Coding change: c.2155T>C on transcript NM_001386140.1 (MANE Select); coding-DNA position 2155, T replaced by C.
Protein change: p.Ser719Pro; replaces serine 719 with proline.
Molecular consequence: missense variant.
Genome position (GRCh38, 1-based): chr4:99,613,078, T>C. VCF-style: chr4-99613078-T-C. GRCh37 (hg19) VCF-style: chr4-100534235-T-C.
Other names: c.2155T>C, p.Ser719Pro (NM_000253.4); c.1906T>C, p.Ser636Pro (NM_001300785.2); short protein forms S636P, S719P.
Identifiers: ClinVar variation 2188356 (VCV002188356.1), dbSNP rs760070788, ClinGen allele CA3022296.